The following is an entry in ClinVar:

ClinVar aggregate classification (germline): Likely pathogenic (1 of 4 stars; one submission).

Conditions:
Lafora disease. Also called: Epilepsy progressive myoclonic 2. Identifiers: Orphanet 501, MedGen C0751783, MONDO:0009697.

Submission:

Broad Center for Mendelian Genomics, Broad Institute of MIT and Harvard
Classification: Likely pathogenic for Lafora disease. Last evaluated: 2025-06-06. Review status: criteria provided, single submitter. Criteria: ACMG/ClinGen CNV Guidelines, 2019. Collection method: curation. Allele origin: unknown. Inheritance: Autosomal recessive inheritance.
Comment: The exon 3-4 deletion variant in EPM2A has been reported in one individual with Lafora disease (PMID: 20738377), and has been identified in 0.002% (1/59084) of European (non-Finnish) chromosomes by the Genome Aggregation Database (gnomAD). Although this variant has been seen in the general population in a heterozygous state, its frequency is low enough to be consistent with a recessive carrier frequency. There is overlap with the 3’ end of the EMP2A gene including coding sequence. This alteration is then predicted to lead to a truncated or absent protein. This deletion is expected to impact the protein. Loss of function of EPM2A is an established disease mechanism in autosomal recessive Lafora disease. In summary, although additional studies are required to fully establish its clinical significance, this variant is likely pathogenic for autosomal recessive Lafora disease.The ACMG/ClinGen evidence codes and points used in this curation are as follows: 1: 0 points, 2: 0.90 points, 3: 0 points, 4-5: 0 points; Total: 0.9 points; Riggs 2020 (PMID: 31690835).

Literature cited by the submitters: PubMed 20738377.

Single allele

Genes: EPM2A (EPM2A glucan phosphatase, laforin; minus strand), LOC123864095 (Sharpr-MPRA regulatory region 3301; plus strand), LOC123864096 (Sharpr-MPRA regulatory region 9117; plus strand). Cytogenetic location: 6q24.3.
Variant type: Deletion.
Identifiers: ClinVar variation 4056464 (VCV004056464.1).